The following is an entry in ClinVar:

ClinVar aggregate classification (germline): Uncertain significance (1 of 4 stars; one submission).

Submission:

Labcorp Genetics (formerly Invitae), Labcorp
Classification: Uncertain significance. Last evaluated: 2025-02-12. Review status: criteria provided, single submitter. Criteria: Invitae Variant Classification Sherloc (09022015). Collection method: clinical testing. Allele origin: germline.
Comment: This sequence change falls in intron 15 of the CLCN6 gene. It does not directly change the encoded amino acid sequence of the CLCN6 protein. The frequency data for this variant in the population databases is considered unreliable, as metrics indicate poor data quality at this position in the gnomAD database. This variant has not been reported in the literature in individuals affected with CLCN6-related conditions. Experimental studies and prediction algorithms are not available or were not evaluated, and the effect of this variant on mRNA splicing is currently unknown. In summary, the available evidence is currently insufficient to determine the role of this variant in disease. Therefore, it has been classified as a Variant of Uncertain Significance.

NM_001286.5(CLCN6):c.1526+24_1526+59del

Gene: CLCN6 (chloride voltage-gated channel 6; plus strand). Cytogenetic location: 1p36.22.
Variant type: Deletion.
Coding change: c.1526+24_1526+59del on transcript NM_001286.5 (MANE Select); bases 24 to 59 of the intron after coding-DNA position 1526, 36 bases deleted.
Molecular consequence: intron variant.
Genome position (GRCh38, 1-based): chr1:11,834,054-11,834,089, 36 bases deleted; deleting any 36 consecutive bases within chr1:11,834,042-11,834,089 gives the same sequence; the c. name uses the placement nearest the transcript's 3' end. GRCh37 (hg19): chr1:11,894,111-11,894,146.
Other names: c.1460+24_1460+59del (NM_001256959.2).
Identifiers: ClinVar variation 4712916 (VCV004712916.1).